The following is an entry in ClinVar:

ClinVar aggregate classification (germline): Likely benign (1 of 4 stars; one submission).

Conditions:
PKD1-related disorder. Also called: PKD1-related condition.

gnomAD v4.1: 10 of 1,606,560 alleles (0.00062%); highest among the groups gnomAD compares: Non-Finnish European, 0.00085%; no homozygotes.

Submission:

PreventionGenetics, part of Exact Sciences
Classification: Likely benign for PKD1-related condition. Last evaluated: 2026-04-03. Review status: criteria provided, single submitter. Criteria: ACMG Guidelines, 2015. Collection method: clinical testing. Allele origin: germline.
Comment: This variant is classified as likely benign based on ACMG/AMP sequence variant interpretation guidelines (Richards et al. 2015 PMID: 25741868, with internal and published modifications).

NM_001009944.3(PKD1):c.894C>G (p.Leu298=)

Gene: PKD1 (polycystin 1, transient receptor potential channel interacting; minus strand). Cytogenetic location: 16p13.3.
Variant type: single nucleotide variant.
Coding change: c.894C>G on transcript NM_001009944.3 (MANE Select); coding-DNA position 894, C replaced by G.
Protein change: p.Leu298=; no amino-acid change (leucine 298 retained).
Molecular consequence: synonymous variant.
Genome position (GRCh38, 1-based): chr16:2,118,098, G>C on the plus strand (C>G on the coding strand, the complement: PKD1 is on the minus strand). VCF-style: chr16-2118098-G-C. GRCh37 (hg19) VCF-style: chr16-2168099-G-C.
Other names: c.894C>G, p.Leu298= (NM_000296.4).
Identifiers: ClinVar variation 4995416 (VCV004995416.1).
Genomic context (GRCh38, chr16:2,118,098, plus strand): 5'-CCCAGCGGCATCCACCTCGGCGGAGCCGTCTCCGAAGTCCCAGCGTGTGGCAGTGACAGG[G>C]AGCGGGGCAGCGATGTGGAAGGCTGCTAGCTGGCCAGAGGCCAGAGGTCCGTGGGGCCCC-3'
Protein context (NP_001009944.3, residues 288-308): QLAAFHIAAP[Leu298=]PVTATRWDFG